The following is an entry in ClinVar:

ClinVar aggregate classification (germline): Uncertain significance (1 of 4 stars; one submission).

Submission:

GeneDx
Classification: Uncertain significance. Last evaluated: 2024-08-11. Review status: criteria provided, single submitter. Criteria: GeneDx Variant Classification Process June 2021. Collection method: clinical testing. Allele origin: germline. Affected: yes.
Comment: Not observed at significant frequency in large population cohorts (gnomAD); Has not been previously published as pathogenic or benign to our knowledge; Canonical splice site variant in a gene for which loss-of-function is not an established mechanism of disease

NM_021096.4(CACNA1I):c.4387+2T>A

Gene: CACNA1I (calcium voltage-gated channel subunit alpha1 I; plus strand). Cytogenetic location: 22q13.1.
Variant type: single nucleotide variant.
Coding change: c.4387+2T>A on transcript NM_021096.4 (MANE Select); the canonical splice donor site of the intron after coding-DNA position 4387, T replaced by A.
Molecular consequence: splice donor variant.
Genome position (GRCh38, 1-based): chr22:39,670,232, T>A. VCF-style: chr22-39670232-T-A. GRCh37 (hg19) VCF-style: chr22-40066237-T-A.
Other names: c.4282+2T>A (NM_001003406.2).
Identifiers: ClinVar variation 3730983 (VCV003730983.1).